The following is an entry in ClinVar:

NM_014271.4(IL1RAPL1):c.1436C>A (p.Pro479Gln)

Gene: IL1RAPL1 (interleukin 1 receptor accessory protein like 1; plus strand). Cytogenetic location: Xp21.2.
Variant type: single nucleotide variant.
Coding change: c.1436C>A on transcript NM_014271.4 (MANE Select); coding-DNA position 1436, C replaced by A.
Protein change: p.Pro479Gln; replaces proline 479 with glutamine.
Molecular consequence: missense variant.
Genome position (GRCh38, 1-based): chrX:29,955,165, C>A. VCF-style: chrX-29955165-C-A. GRCh37 (hg19) VCF-style: chrX-29973282-C-A.
Other names: short protein forms P479Q.
Identifiers: ClinVar variation 2732037 (VCV002732037.3), dbSNP rs1261746031, ClinGen allele CA412634234.
Genomic context (GRCh38, chrX:29,955,165, plus strand): 5'-ACATTGAAGATGTGGCAAGATGTGTAGATCAAAGCAAGCGGCTGATTATTGTCATGACCC[C>A]AAATTACGTAGTTAGAAGGGGCTGGAGCATCTTTGAGCTGGAAACCAGACTTCGAAATAT-3'
Protein context (NP_055086.1, residues 469-489): QSKRLIIVMT[Pro479Gln]NYVVRRGWSI

ClinVar aggregate classification (germline): Uncertain significance (1 of 4 stars; one submission).

Allele frequency attached by ClinVar (database versions not stated): gnomAD exomes below 0.00001; TOPMed below 0.00001; gnomAD 0.00001.
gnomAD v4.1: 4 of 1,208,762 alleles (0.00033%); highest among the groups gnomAD compares: Non-Finnish European, 0.00045%; no homozygotes.

Submission:

Labcorp Genetics (formerly Invitae), Labcorp
Classification: Uncertain significance. Last evaluated: 2023-01-17. Review status: criteria provided, single submitter. Criteria: Invitae Variant Classification Sherloc (09022015). Collection method: clinical testing. Allele origin: germline.
Comment: Algorithms developed to predict the effect of missense changes on protein structure and function (SIFT, PolyPhen-2, Align-GVGD) all suggest that this variant is likely to be disruptive. In summary, the available evidence is currently insufficient to determine the role of this variant in disease. Therefore, it has been classified as a Variant of Uncertain Significance. This variant has not been reported in the literature in individuals affected with IL1RAPL1-related conditions. This variant is present in population databases (no rsID available, gnomAD 0.001%). This sequence change replaces proline, which is neutral and non-polar, with glutamine, which is neutral and polar, at codon 479 of the IL1RAPL1 protein (p.Pro479Gln).